The following is an entry in ClinVar:

ClinVar aggregate classification (germline): Pathogenic (1 of 4 stars; one submission).

Allele frequency attached by ClinVar (database versions not stated): gnomAD exomes below 0.00001; TOPMed below 0.00001.
gnomAD v4.1: 5 of 1,613,838 alleles (0.00031%); highest among the groups gnomAD compares: Admixed American, 0.0017%; no homozygotes.

Submission:

Labcorp Genetics (formerly Invitae), Labcorp
Classification: Pathogenic. Last evaluated: 2024-02-14. Review status: criteria provided, single submitter. Criteria: Invitae Variant Classification Sherloc (09022015). Collection method: clinical testing. Allele origin: germline.
Comment: This sequence change creates a premature translational stop signal (p.Arg1368*) in the ATR gene. It is expected to result in an absent or disrupted protein product. Loss-of-function variants in ATR are known to be pathogenic (PMID: 21228398, 23144622). This variant is present in population databases (no rsID available, gnomAD 0.003%). This variant has not been reported in the literature in individuals affected with ATR-related conditions. For these reasons, this variant has been classified as Pathogenic.

Literature cited by the submitters: PubMed 21228398; PubMed 23144622.

NM_001184.4(ATR):c.4102C>T (p.Arg1368Ter)

Gene: ATR (ATR checkpoint kinase; minus strand). Cytogenetic location: 3q23.
Variant type: single nucleotide variant.
Coding change: c.4102C>T on transcript NM_001184.4 (MANE Select); coding-DNA position 4102, C replaced by T.
Protein change: p.Arg1368Ter; replaces arginine 1368 with a stop codon.
Molecular consequence: nonsense.
Genome position (GRCh38, 1-based): chr3:142,524,043, G>A on the plus strand (C>T on the coding strand, the complement: ATR is on the minus strand). VCF-style: chr3-142524043-G-A. GRCh37 (hg19) VCF-style: chr3-142242885-G-A.
Other names: c.3910C>T, p.Arg1304Ter (NM_001354579.2); short protein forms R1304*, R1368*.
Identifiers: ClinVar variation 2769640 (VCV002769640.3), dbSNP rs1194388677, ClinGen allele CA354802266.